The following is an entry in ClinVar:

NM_007294.4(BRCA1):c.1950_1951insCA (p.Lys651fs)

Gene: BRCA1 (BRCA1 DNA repair associated; minus strand). Cytogenetic location: 17q21.31.
Variant type: Insertion.
Coding change: c.1950_1951insCA on transcript NM_007294.4 (MANE Select); coding-DNA positions 1950 to 1951, CA inserted.
Protein change: p.Lys651fs; shifts the reading frame from lysine 651.
Molecular consequence: frameshift variant. On other transcripts: intron variant (137).
Genome position: GRCh38 VCF-style: chr17-43093580-T-TTG. GRCh37 (hg19) VCF-style: chr17-41245597-T-TTG.
Other names: c.1950_1951insCA, p.Lys651fs (NM_007294.3, NM_001407581.1, NM_001407582.1 and 31 more transcripts); c.1737_1738insCA, p.Lys580fs (NM_001407571.1, NM_001407853.1, NM_001407894.1 and 9 more transcripts); c.1947_1948insCA, p.Lys650fs (NM_001407587.1, NM_001407590.1, NM_001407591.1 and 22 more transcripts); c.1941_1942insCA, p.Lys648fs (NM_001407646.1, NM_001407647.1); c.1827_1828insCA, p.Lys610fs (NM_001407648.1, NM_001407664.1, NM_001407665.1 and 19 more transcripts); c.1824_1825insCA, p.Lys609fs (NM_001407649.1, NM_001407670.1, NM_001407671.1 and 11 more transcripts); c.1872_1873insCA, p.Lys625fs (NM_001407653.1, NM_001407654.1, NM_001407655.1 and 4 more transcripts); c.1869_1870insCA, p.Lys624fs (NM_001407659.1, NM_001407660.1, NM_001407661.1 and 1 more transcripts); and 40 more; short protein forms K604fs, K651fs, K355fs, K483fs, K523fs, K562fs, K581fs, K625fs.
Identifiers: ClinVar variation 548211 (VCV000548211.2), dbSNP rs1555590811, ClinGen allele CA658824506.
Genomic context (GRCh38, chr17:43,093,580, plus strand): 5'-CTTCCATGAGTTGTAGGTTTCTGCTGTGCCTGACTGGCATTTGGTTGTACTTTTTTTTCT[T>TTG]TATCTCTTCACTGCTAGAACAACTATCAATTTGCAATTCAGTACAATTAGGTGGGCTTAG-3'

ClinVar aggregate classification (germline): Pathogenic (3 of 4 stars; one submission).

Conditions:
Breast-ovarian cancer, familial, susceptibility to, 1 (BROVCA1). Also called: BRCA1 Hereditary Breast and Ovarian Cancer; OVARIAN CANCER, SUSCEPTIBILITY TO. Identifiers: Orphanet 145, MedGen C2676676, MONDO:0011450, OMIM 604370. Disease mechanism: loss of function.

Submission:

Evidence-based Network for the Interpretation of Germline Mutant Alleles (ENIGMA)
Classification: Pathogenic for Breast-ovarian cancer, familial, susceptibility to, 1. Last evaluated: 2017-12-15. Review status: reviewed by expert panel. Criteria: ENIGMA BRCA1/2 Classification Criteria (2017-06-29). Collection method: curation. Allele origin: germline. Study: ENIGMA.
Comment: Variant allele predicted to encode a truncated non-functional protein.